The following is an entry in ClinVar:

ClinVar aggregate classification (germline): Uncertain significance (1 of 4 stars; one submission).

Conditions:
3-methylglutaconic aciduria with deafness, encephalopathy, and Leigh-like syndrome (MEGDEL). Also called: SERAC1 Deficiency; MEGDEL syndrome; 3-METHYLGLUTACONIC ACIDURIA, TYPE VI. Identifiers: Orphanet 352328, MedGen C4040739, MONDO:0013875, OMIM 614739.

Submission:

Labcorp Genetics (formerly Invitae), Labcorp
Classification: Uncertain significance for 3-methylglutaconic aciduria with deafness, encephalopathy, and Leigh-like syndrome. Last evaluated: 2023-02-21. Review status: criteria provided, single submitter. Criteria: Invitae Variant Classification Sherloc (09022015). Collection method: clinical testing. Allele origin: germline.
Comment: This variant, c.1519_1521dup, results in the insertion of 1 amino acid(s) of the SERAC1 protein (p.Met507dup), but otherwise preserves the integrity of the reading frame. In summary, the available evidence is currently insufficient to determine the role of this variant in disease. Therefore, it has been classified as a Variant of Uncertain Significance. This variant has not been reported in the literature in individuals affected with SERAC1-related conditions. This variant is not present in population databases (gnomAD no frequency).

NM_032861.4(SERAC1):c.1519_1521dup (p.Met507_Leu508insMet)

Gene: SERAC1 (serine active site containing 1; minus strand). Cytogenetic location: 6q25.3.
Variant type: Duplication.
Coding change: c.1519_1521dup on transcript NM_032861.4 (MANE Select); coding-DNA positions 1519 to 1521, 3 bases duplicated (ATG; older notation c.1519_1521dupATG).
Protein change: p.Met507_Leu508insMet.
Molecular consequence: inframe insertion. On other transcripts: non-coding transcript variant (1).
Genome position (GRCh38, 1-based): chr6:158,114,952-158,114,954, CAT duplicated on the plus strand (ATG on the coding strand, the reverse complement: SERAC1 is on the minus strand); duplicating any 3 consecutive bases within chr6:158,114,952-158,114,955 gives the same sequence; the c. name uses the placement nearest the transcript's 3' end. VCF-style (leftmost placement, unchanged base first): chr6-158114951-G-GCAT. GRCh37 (hg19) VCF-style: chr6-158535983-G-GCAT.
Identifiers: ClinVar variation 2797127 (VCV002797127.3), dbSNP rs2483462703, ClinGen allele CA2739266214.
Genomic context (GRCh38, chr6:158,114,951, plus strand): 5'-TTATTCCTCTGGTATTGTTGATAACAGTACTCATTTCTGGCTTCGTAGAGGCTTCCAACA[G>GCAT]CATCTTTTTGACAAGAAGACCTAGCCACAGACAAGGGAAAAAAACAATGCATAAGCTATT-3'